The following is an entry in ClinVar:

ClinVar aggregate classification (germline): Conflicting classifications of pathogenicity. Review status: criteria provided, conflicting classifications (1 of 4 stars). 2 submissions from 2 submitters: Likely pathogenic (1); Uncertain significance (1). Last evaluated 2025-04-11.

Conditions:
Muscular dystrophy-dystroglycanopathy (congenital with brain and eye anomalies), type A1 (MDDGA1). Also called: COD-MD SYNDROME; Muscular dystrophy-dystroglycanopathy (congenital with brain and eye anomalies), type A, 1; WALKER-WARBURG SYNDROME OR MUSCLE-EYE-BRAIN DISEASE, POMT1-RELATED; Hydrocephalus, agyria and retinal dysplasia; Hard +/- E syndrome; Warburg syndrome. Identifiers: Orphanet 588, Orphanet 899, MedGen C4284790, MONDO:0009364, OMIM 236670.
Muscular dystrophy-dystroglycanopathy (congenital with impaired intellectual development), type B, 1. Also called: MUSCULAR DYSTROPHY, CONGENITAL, POMT1-RELATED; Muscular dystrophy-dystroglycanopathy (congenital with intellectual disability), type B1. Identifiers: MedGen C5436962, MONDO:0013159, OMIM 613155.
Autosomal recessive limb-girdle muscular dystrophy type 2K. Also called: MUSCULAR DYSTROPHY-DYSTROGLYCANOPATHY (LIMB-GIRDLE), TYPE C, 1; MUSCULAR DYSTROPHY, LIMB-GIRDLE, TYPE 2K. Identifiers: Orphanet 86812, MedGen C1836373, MONDO:0012248, OMIM 609308.

Submissions (2):

Baylor Genetics
Classification: Uncertain significance for Muscular dystrophy-dystroglycanopathy (congenital with brain and eye anomalies), type A1. Last evaluated: 2025-04-11. Review status: criteria provided, single submitter. Criteria: ACMG Guidelines, 2015. Collection method: clinical testing. Allele origin: unknown.
Comment: Classified VUS because we curate POMT1 exon 8 variants with regard to MANE isoform NM_001077365.2, not NM_007171.4. Splicing algorithms agree with MANE, showing that the natural splicing site is expected to be after c.699. And this conclusion is strengthened by the benign nature of NM_007171.4(POMT1):c.751C>T(p.Gln251Ter) which is also known as NM_001077365.2(POMT1):c.699+52C>T in ClinVar 95466

Fulgent Genetics
Classification: Likely pathogenic for Muscular dystrophy-dystroglycanopathy (congenital with brain and eye anomalies), type A1; Autosomal recessive limb-girdle muscular dystrophy type 2K; Muscular dystrophy-dystroglycanopathy (congenital with impaired intellectual development), type B, 1. Last evaluated: 2024-06-15. Review status: criteria provided, single submitter. Criteria: ACMG Guidelines, 2015. Collection method: clinical testing. Allele origin: germline.

NM_001077365.2(POMT1):c.699+67dup

Gene: POMT1 (protein O-mannosyltransferase 1; plus strand). Cytogenetic location: 9q34.13.
Variant type: Duplication.
Coding change: c.699+67dup on transcript NM_001077365.2 (MANE Select); 67 bases into the intron after coding-DNA position 699, one base duplicated (G; older notation c.699+67dupG).
Molecular consequence: intron variant. On other transcripts: frameshift variant (1), splice donor variant (6).
Genome position (GRCh38, 1-based): chr9:131,510,063, G duplicated; the last of 5 consecutive G bases (chr9:131,510,059-131,510,063); duplicating any one gives the same sequence. VCF-style (leftmost placement, unchanged base first): chr9-131510058-A-AG. GRCh37 (hg19) VCF-style: chr9-134385445-A-AG.
Other names: c.604dup, p.Val202fs (NM_001374689.1); c.603+1dup (NM_001353198.2, NM_001353197.2); c.765+1dup (NM_001353193.2, NM_007171.4, NM_007171.3); c.699+67dup (NM_001136113.2, NM_001374690.1); c.537+67dup (NM_001353194.2, NM_001077366.2, NM_001374693.1); c.348+67dup (NM_001374691.1, NM_001353195.2, NM_001374692.1 and 1 more transcripts); c.609+67dup (NM_001353196.2); c.309+1dup (NM_001374695.1); and 3 more; short protein forms V202fs.
Identifiers: ClinVar variation 2678021 (VCV002678021.3), dbSNP rs1588377489, ClinGen allele CA2579751324.